The following is an entry in ClinVar:

ClinVar aggregate classification (germline): Pathogenic (1 of 4 stars; one submission).

Submission:

Labcorp Genetics (formerly Invitae), Labcorp
Classification: Pathogenic. Last evaluated: 2022-04-18. Review status: criteria provided, single submitter. Criteria: Invitae Variant Classification Sherloc (09022015). Collection method: clinical testing. Allele origin: germline.
Comment: For these reasons, this variant has been classified as Pathogenic. This variant has not been reported in the literature in individuals affected with C6-related conditions. This variant is not present in population databases (gnomAD no frequency). This sequence change creates a premature translational stop signal (p.Gly85Glufs*38) in the C6 gene. It is expected to result in an absent or disrupted protein product. Loss-of-function variants in C6 are known to be pathogenic (PMID: 17257682).

Literature cited by the submitters: PubMed 17257682.

NM_000065.5(C6):c.254del (p.Gly85fs)

Gene: C6 (complement C6; minus strand). Cytogenetic location: 5p13.1.
Variant type: Deletion.
Coding change: c.254del on transcript NM_000065.5 (MANE Select); coding-DNA position 254, one base deleted (G; older notation c.254delG).
Protein change: p.Gly85fs; shifts the reading frame from glycine 85.
Molecular consequence: frameshift variant.
Genome position (GRCh38, 1-based): chr5:41,201,604, C deleted on the plus strand (G on the coding strand, the reverse complement: C6 is on the minus strand); the first of 3 consecutive C bases (chr5:41,201,604-41,201,606); deleting any one gives the same sequence. VCF-style (leftmost placement, unchanged base first): chr5-41201603-TC-T. GRCh37 (hg19) VCF-style: chr5-41201705-TC-T.
Other names: c.254del, p.Gly85fs (NM_001115131.4); short protein forms G85fs.
Identifiers: ClinVar variation 2127687 (VCV002127687.4), dbSNP rs1297077142, ClinGen allele CA810671955.